The following is an entry in ClinVar:

ClinVar aggregate classification (germline): Likely benign. Review status: criteria provided, multiple submitters, no conflicts (2 of 4 stars). 2 submissions from 2 submitters: Likely benign (2). Last evaluated 2026-01-26.

Conditions:
Hereditary nonpolyposis colorectal neoplasms. Identifiers: MedGen C0009405, MeSH D003123.

gnomAD v4.1: 1 of 1,593,688 alleles (0.000063%); highest among the groups gnomAD compares: Non-Finnish European, 0.000085%; no homozygotes.

Submissions (2):

Labcorp Genetics (formerly Invitae), Labcorp
Classification: Likely benign for Hereditary nonpolyposis colorectal neoplasms. Last evaluated: 2026-01-26. Review status: criteria provided, single submitter. Criteria: Invitae Variant Classification Sherloc (09022015). Collection method: clinical testing. Allele origin: germline.

CeGaT Center for Human Genetics Tuebingen
Classification: Likely benign. Last evaluated: 2025-08-01. Review status: criteria provided, single submitter. Criteria: CeGaT Center For Human Genetics Tuebingen Variant Classification Criteria Version 2. Collection method: clinical testing. Allele origin: germline. Affected: yes. Observed: 1 variant allele.
Comment: MSH6: BP4, BP7

NM_000179.3(MSH6):c.4011C>T (p.Cys1337=)

Gene: MSH6 (mutS homolog 6; plus strand). Cytogenetic location: 2p16.3.
Variant type: single nucleotide variant.
Coding change: c.4011C>T on transcript NM_000179.3 (MANE Select); coding-DNA position 4011, C replaced by T.
Protein change: p.Cys1337=; no amino-acid change (cysteine 1337 retained).
Molecular consequence: synonymous variant. On other transcripts: 3 prime UTR variant (1), missense variant (4), non-coding transcript variant (5).
Genome position (GRCh38, 1-based): chr2:47,806,788, C>T. VCF-style: chr2-47806788-C-T. GRCh37 (hg19) VCF-style: chr2-48033927-C-T.
Other names: c.3621C>T, p.Cys1207= (NM_001281492.2); c.3105C>T, p.Cys1035= (NM_001281493.2, NM_001281494.2, NM_001406811.1 and 6 more transcripts); c.4107C>T, p.Cys1369= (NM_001406795.1); c.4011C>T, p.Cys1337= (NM_001406796.1, NM_001406809.1); c.3714C>T, p.Cys1238= (NM_001406797.1, NM_001406805.1, NM_001406818.1 and 8 more transcripts); c.3837C>T, p.Cys1279= (NM_001406798.1); c.3486C>T, p.Cys1162= (NM_001406799.1, NM_001406806.1, NM_001406807.1); c.*32C>T (NM_001406800.1); and 11 more; short protein forms P1237S, P1303S, P1336S.
Identifiers: ClinVar variation 4085293 (VCV004085293.9).